The following is an entry in ClinVar:

NM_000541.5(SAG):c.587C>T (p.Ala196Val)

Gene: SAG (S-antigen visual arrestin; plus strand). Cytogenetic location: 2q37.1.
Variant type: single nucleotide variant.
Coding change: c.587C>T on transcript NM_000541.5 (MANE Select); coding-DNA position 587, C replaced by T.
Protein change: p.Ala196Val; replaces alanine 196 with valine.
Molecular consequence: missense variant.
Genome position (GRCh38, 1-based): chr2:233,328,552, C>T. VCF-style: chr2-233328552-C-T. GRCh37 (hg19) VCF-style: chr2-234237198-C-T.
Other names: short protein forms A196V.
Identifiers: ClinVar variation 962786 (VCV000962786.9), dbSNP rs556476934, ClinGen allele CA2174441.
Genomic context (GRCh38, chr2:233,328,552, plus strand): 5'-TACTGATCCGCAAAGTACAGCATGCCCCACTTGAGATGGGTCCCCAGCCCCGAGCTGAGG[C>T]GGCCTGGCAGTTCTTCATGTCTGACAAGCCCCTGCACCTTGCGGTCTCTCTCAACAAAGA-3'
Protein context (NP_000532.2, residues 186-206): LEMGPQPRAE[Ala196Val]AWQFFMSDKP

ClinVar aggregate classification (germline): Uncertain significance. Review status: criteria provided, multiple submitters, no conflicts (2 of 4 stars). 2 submissions from 2 submitters: Uncertain significance (2). Last evaluated 2025-11-03.

Conditions:
Inborn genetic diseases. Identifiers: MedGen C0950123, MeSH D030342.

Allele frequency attached by ClinVar (database versions not stated): TOPMed 0.00003; ExAC 0.00007; 1000 Genomes Project 30x 0.00016; 1000 Genomes Project 0.00020.
gnomAD v4.1: 64 of 1,613,914 alleles (0.004%); highest among the groups gnomAD compares: East Asian, 0.02%; no homozygotes.

Submissions (2):

Labcorp Genetics (formerly Invitae), Labcorp
Classification: Uncertain significance. Last evaluated: 2025-11-03. Review status: criteria provided, single submitter. Criteria: Invitae Variant Classification Sherloc (09022015). Collection method: clinical testing. Allele origin: germline.
Comment: This sequence change replaces alanine, which is neutral and non-polar, with valine, which is neutral and non-polar, at codon 196 of the SAG protein (p.Ala196Val). This variant is present in population databases (rs556476934, gnomAD 0.05%). This variant has not been reported in the literature in individuals affected with SAG-related conditions. ClinVar contains an entry for this variant (Variation ID: 962786). Invitae Evidence Modeling of protein sequence and biophysical properties (such as structural, functional, and spatial information, amino acid conservation, physicochemical variation, residue mobility, and thermodynamic stability) indicates that this missense variant is not expected to disrupt SAG protein function with a negative predictive value of 80%. In summary, the available evidence is currently insufficient to determine the role of this variant in disease. Therefore, it has been classified as a Variant of Uncertain Significance.

Ambry Genetics
Classification: Uncertain significance for Inborn genetic diseases. Last evaluated: 2021-09-17. Review status: criteria provided, single submitter. Criteria: Ambry Variant Classification Scheme 2023. Collection method: clinical testing. Allele origin: germline.